The following is an entry in ClinVar:

ClinVar aggregate classification (germline): Uncertain significance (1 of 4 stars; one submission).

Allele frequency attached by ClinVar (database versions not stated): gnomAD 0.00011 and 0.00015; ESP Exome Variant Server 0.00015; TOPMed 0.00019; 1000 Genomes Project 0.00020; 1000 Genomes Project 30x 0.00031.
gnomAD v4.1: 150 of 1,614,100 alleles (0.0093%); highest among the groups gnomAD compares: East Asian, 0.2%; no homozygotes.

Submission:

Labcorp Genetics (formerly Invitae), Labcorp
Classification: Uncertain significance. Last evaluated: 2022-08-02. Review status: criteria provided, single submitter. Criteria: Invitae Variant Classification Sherloc (09022015). Collection method: clinical testing. Allele origin: germline.
Comment: This sequence change replaces proline, which is neutral and non-polar, with leucine, which is neutral and non-polar, at codon 202 of the C8B protein (p.Pro202Leu). This variant is present in population databases (rs142822254, gnomAD 0.2%). This variant has not been reported in the literature in individuals affected with C8B-related conditions. ClinVar contains an entry for this variant (Variation ID: 1463696). Algorithms developed to predict the effect of missense changes on protein structure and function (SIFT, PolyPhen-2, Align-GVGD) all suggest that this variant is likely to be disruptive. In summary, the available evidence is currently insufficient to determine the role of this variant in disease. Therefore, it has been classified as a Variant of Uncertain Significance.

NM_000066.4(C8B):c.605C>T (p.Pro202Leu)

Gene: C8B (complement C8 beta chain; minus strand). Cytogenetic location: 1p32.2.
Variant type: single nucleotide variant.
Coding change: c.605C>T on transcript NM_000066.4 (MANE Select); coding-DNA position 605, C replaced by T.
Protein change: p.Pro202Leu; replaces proline 202 with leucine.
Molecular consequence: missense variant.
Genome position (GRCh38, 1-based): chr1:56,952,109, G>A on the plus strand (C>T on the coding strand, the complement: C8B is on the minus strand). VCF-style: chr1-56952109-G-A. GRCh37 (hg19) VCF-style: chr1-57417782-G-A.
Other names: c.449C>T, p.Pro150Leu (NM_001278543.2); c.419C>T, p.Pro140Leu (NM_001278544.2); short protein forms P140L, P150L, P202L.
Identifiers: ClinVar variation 1463696 (VCV001463696.5), dbSNP rs142822254, ClinGen allele CA875919.
Genomic context (GRCh38, chr1:56,952,109, plus strand): 5'-TGTGGCGTGTAGCTTTCCACATTGTAGGGCTTCCTAAACCTCGTGTTCAGGATGTAATGC[G>A]GGGAGCATCCACCTGCATAATACCTGTGATCAAGAACTGGGCCCTCAAAACTGTTTGTGA-3'
Protein context (NP_000057.3, residues 192-212): DHRYYAGGCS[Pro202Leu]HYILNTRFRK